The following is an entry in ClinVar:

ClinVar aggregate classification (germline): Likely benign. Review status: criteria provided, multiple submitters, no conflicts (2 of 4 stars). 2 submissions from 2 submitters: Likely benign (2). Last evaluated 2026-09-30.

Conditions:
Rhabdoid tumor predisposition syndrome 2 (RTPS2). Identifiers: Orphanet 231108, Orphanet 69077, MedGen C2750074, MONDO:0013224, OMIM 613325.

Allele frequency attached by ClinVar (database versions not stated): ExAC 0.00001.
gnomAD v4.1: 7 of 1,614,160 alleles (0.00043%); highest among the groups gnomAD compares: East Asian, 0.0045%; no homozygotes.

Submissions (2):

Myriad Genetics, Inc.
Classification: Likely benign for Rhabdoid tumor predisposition syndrome 2. Last evaluated: 2026-09-30. Review status: criteria provided, single submitter. Criteria: Myriad Autosomal Dominant, Autosomal Recessive and X-Linked Classification Criteria (2023). Collection method: clinical testing. Allele origin: unknown.
Comment: This variant is considered likely benign. This variant is intronic and is not expected to impact mRNA splicing.

Labcorp Genetics (formerly Invitae), Labcorp
Classification: Likely benign for Rhabdoid tumor predisposition syndrome 2. Last evaluated: 2025-10-22. Review status: criteria provided, single submitter. Criteria: Invitae Variant Classification Sherloc (09022015). Collection method: clinical testing. Allele origin: germline.

NM_003072.5(SMARCA4):c.1762-8A>C

Gene: SMARCA4 (SWI/SNF related BAF chromatin remodeling complex subunit ATPase 4; plus strand). Cytogenetic location: 19p13.2.
Variant type: single nucleotide variant.
Coding change: c.1762-8A>C on transcript NM_003072.5 (MANE Select); 8 bases into the intron before coding-DNA position 1762, A replaced by C.
Molecular consequence: intron variant.
Genome position (GRCh38, 1-based): chr19:10,996,486, A>C. VCF-style: chr19-10996486-A-C. GRCh37 (hg19) VCF-style: chr19-11107162-A-C.
Other names: c.1762-8A>C (NM_001128844.3, NM_001128849.3, NM_001128847.4 and 5 more transcripts).
Identifiers: ClinVar variation 1135099 (VCV001135099.10), dbSNP rs757682544, ClinGen allele CA9203890.
Genomic context (GRCh38, chr19:10,996,486, plus strand): 5'-AGCCGTCTTCACGTGTGTGGCCTCAGCCTTGTGGGTCAGGGCCTGACCGTGTCTCTCTCT[A>C]TTTCCAGAAGGCAGAAAATGCAGAAGGACAGACGCCTGCCATTGGGCCGGATGGCGAGGT-3'